The following is an entry in ClinVar:

NM_001199138.2(NLRC4):c.912C>T (p.Ser304=)

Gene: NLRC4 (NLR family CARD domain containing 4; minus strand). Cytogenetic location: 2p22.3.
Variant type: single nucleotide variant.
Coding change: c.912C>T on transcript NM_001199138.2 (MANE Select); coding-DNA position 912, C replaced by T.
Protein change: p.Ser304=; no amino-acid change (serine 304 retained).
Molecular consequence: synonymous variant. On other transcripts: intron variant (1).
Genome position (GRCh38, 1-based): chr2:32,250,952, G>A on the plus strand (C>T on the coding strand, the complement: NLRC4 is on the minus strand). VCF-style: chr2-32250952-G-A. GRCh37 (hg19) VCF-style: chr2-32476021-G-A.
Other names: c.912C>T, p.Ser304= (NM_001199139.2, NM_021209.5); c.262+1467C>T (NM_001302504.1).
Identifiers: ClinVar variation 720748 (VCV000720748.14), dbSNP rs368788664, ClinGen allele CA1602064.
Genomic context (GRCh38, chr2:32,250,952, plus strand): 5'-TTGGAGCAACAAGCCTTCAGCAAGCTCCTTGATCAGCACTTCTCGGATGAGAGCCTGGGC[G>A]CTGTCTTCTGTCATATCCCCCACCTCAGCAGTCAGGGCACCAAACTGCCGTATGTGCCTC-3'
Protein context (NP_001186067.1, residues 294-314): TAEVGDMTED[Ser304=]AQALIREVLI

ClinVar aggregate classification (germline): Likely benign. Review status: criteria provided, multiple submitters, no conflicts (2 of 4 stars). 4 submissions from 4 submitters: Likely benign (3). 1 of the submissions does not count toward it. Last evaluated 2025-05-24.

Conditions:
Periodic fever-infantile enterocolitis-autoinflammatory syndrome. Also called: Autoinflammation with infantile enterocolitis. Identifiers: Orphanet 436166, MedGen C4015067, MONDO:0014472, OMIM 616050.
Familial cold autoinflammatory syndrome 4 (FCAS4). Identifiers: Orphanet 47045, Orphanet 576349, MedGen C4015276, MONDO:0014498, OMIM 616115.
NLRC4-related disorder. Also called: NLRC4-related condition.

Allele frequency attached by ClinVar (database versions not stated): gnomAD 0.00004 and 0.00002; ESP Exome Variant Server 0.00015; ExAC 0.00004; gnomAD exomes 0.00004; TOPMed 0.00005.
gnomAD v4.1: 20 of 1,614,118 alleles (0.0012%); highest among the groups gnomAD compares: East Asian, 0.0089%; no homozygotes.

Submissions (4):

Labcorp Genetics (formerly Invitae), Labcorp
Classification: Likely benign for Periodic fever-infantile enterocolitis-autoinflammatory syndrome; Familial cold autoinflammatory syndrome 4. Last evaluated: 2025-05-24. Review status: criteria provided, single submitter. Criteria: Invitae Variant Classification Sherloc (09022015). Collection method: clinical testing. Allele origin: germline.

Women's Health and Genetics/Laboratory Corporation of America, LabCorp
Classification: Likely benign. Last evaluated: 2024-05-29. Review status: criteria provided, single submitter. Criteria: LabCorp Variant Classification Summary - May 2015. Collection method: clinical testing. Allele origin: germline.

Blueprint Genetics
Classification: Likely benign. Last evaluated: 2023-09-08. Review status: criteria provided, single submitter. Criteria: ACMG Guidelines, 2015. Collection method: clinical testing. Allele origin: germline.

PreventionGenetics, part of Exact Sciences
Classification: Likely benign for NLRC4-related condition. Last evaluated: 2019-09-23. Review status: no assertion criteria provided. Collection method: clinical testing. Allele origin: germline. Not counted in ClinVar's aggregate classification.
Comment: This variant is classified as likely benign based on ACMG/AMP sequence variant interpretation guidelines (Richards et al. 2015 PMID: 25741868, with internal and published modifications).